The following is an entry in ClinVar:

Conditions:
Breast-ovarian cancer, familial, susceptibility to, 1 (BROVCA1). Also called: BRCA1 Hereditary Breast and Ovarian Cancer; OVARIAN CANCER, SUSCEPTIBILITY TO. Identifiers: Orphanet 145, MedGen C2676676, MONDO:0011450, OMIM 604370. Disease mechanism: loss of function.

Submission:

Brotman Baty Institute, University of Washington
No classification provided (evidence only). Condition: Breast-ovarian cancer, familial 1. Review status: no classification provided. Collection method: in vitro. Allele origin: not applicable. Functional consequence: functionally_normal.
ClinVar note: "not provided" was previously submitted as the classification for the variant. However, the classification appeared to be based only on an observation of functional data so it was converted to no classification on 2025-07-30.

NM_007294.4(BRCA1):c.105C>T (p.Val35=)

Gene: BRCA1 (BRCA1 DNA repair associated; minus strand). Cytogenetic location: 17q21.31.
Variant type: single nucleotide variant.
Coding change: c.105C>T on transcript NM_007294.4 (MANE Select); coding-DNA position 105, C replaced by T.
Protein change: p.Val35=; no amino-acid change (valine 35 retained).
Molecular consequence: synonymous variant. On other transcripts: 5 prime UTR variant (132), intron variant (41).
Genome position (GRCh38, 1-based): chr17:43,115,755, G>A on the plus strand (C>T on the coding strand, the complement: BRCA1 is on the minus strand). VCF-style: chr17-43115755-G-A. GRCh37 (hg19) VCF-style: chr17-41267772-G-A.
Other names: c.-84C>T (NM_001407571.1, NM_001407853.1, NM_001407879.1 and 52 more transcripts); c.105C>T, p.Val35= (NM_001407581.1, NM_001407582.1, NM_001407583.1 and 192 more transcripts); c.-153C>T (NM_001407694.1, NM_001407696.1, NM_001407724.1 and 13 more transcripts); c.-157C>T (NM_001407695.1, NM_001408465.1); c.-37C>T (NM_001407697.1, NM_001407725.1, NM_001407728.1 and 47 more transcripts); c.-33C>T (NM_001407841.1); c.-200C>T (NM_001407889.1, NM_001407900.1, NM_001408492.1); c.-199C>T (NM_001407960.1, NM_001407962.1, NM_001408510.1 and 1 more transcripts); and 10 more.
Identifiers: ClinVar variation 867808 (VCV000867808.3), dbSNP rs2055254108, ClinGen allele CA500130043.